The following is an entry in ClinVar:

NM_001256071.3(RNF213):c.12304C>T (p.Arg4102Cys)

Genes: RNF213 (ring finger protein 213; plus strand), RNF213-AS1 (RNF213 antisense RNA 1; minus strand). Cytogenetic location: 17q25.3.
Variant type: single nucleotide variant.
Coding change: c.12304C>T on transcript NM_001256071.3 (MANE Select); coding-DNA position 12304, C replaced by T.
Protein change: p.Arg4102Cys; replaces arginine 4102 with cysteine.
Molecular consequence: missense variant.
Genome position (GRCh38, 1-based): chr17:80,369,650, C>T. VCF-style: chr17-80369650-C-T. GRCh37 (hg19) VCF-style: chr17-78343450-C-T.
Other names: c.12451C>T, p.Arg4151Cys (NM_001410195.1, NM_020914.5); short protein forms R4102C, R4151C.
Identifiers: ClinVar variation 4980762 (VCV004980762.1).
Genomic context (GRCh38, chr17:80,369,650, plus strand): 5'-GCTCCGCCTGAGAAGGAAGTGATTGAGAGCCTGCTCTCTCTCCTCTTCGTCCAAAAGGGG[C>T]GCTTAAGAGATGCTGCCCAGAGTAGGTTGCTTTCTTCCTGTAAACCTAGCCCCTCATTTC-3'
Protein context (NP_001243000.2, residues 4092-4112): LLSLLFVQKG[Arg4102Cys]LRDAAQRHCE

ClinVar aggregate classification (germline): Uncertain significance (1 of 4 stars; one submission).

Conditions:
RNF213-related disorder. Also called: RNF213-related condition.

gnomAD v4.1: 17 of 1,614,220 alleles (0.0011%); highest among the groups gnomAD compares: Admixed American, 0.005%; no homozygotes.

Submission:

PreventionGenetics, part of Exact Sciences
Classification: Uncertain significance for RNF213-related condition. Last evaluated: 2026-09-25. Review status: criteria provided, single submitter. Criteria: ACMG Guidelines, 2015. Collection method: clinical testing. Allele origin: germline.
Comment: The RNF213 c.12304C>T variant is predicted to result in the amino acid substitution p.Arg4102Cys. To our knowledge, this variant has not been reported in the literature. This variant is reported in 0.0033% of alleles in individuals of South Asian descent in gnomAD. At this time, the clinical significance of this variant is uncertain due to the absence of conclusive functional and genetic evidence.